The following is an entry in ClinVar:

ClinVar aggregate classification (germline): Uncertain significance (1 of 4 stars; one submission).

Allele frequency attached by ClinVar (database versions not stated): gnomAD exomes below 0.00001 and 0.00001; TOPMed below 0.00001; ExAC 0.00001.
gnomAD v4.1: 11 of 1,613,940 alleles (0.00068%); highest among the groups gnomAD compares: Non-Finnish European, 0.00093%; no homozygotes.

Submission:

Labcorp Genetics (formerly Invitae), Labcorp
Classification: Uncertain significance. Last evaluated: 2020-09-09. Review status: criteria provided, single submitter. Criteria: Invitae Variant Classification Sherloc (09022015). Collection method: clinical testing. Allele origin: germline.
Comment: This variant has not been reported in the literature in individuals with MERTK-related conditions. This variant is present in population databases (rs776641757, ExAC 0.001%). This sequence change replaces serine with glycine at codon 750 of the MERTK protein (p.Ser750Gly). The serine residue is highly conserved and there is a small physicochemical difference between serine and glycine. Algorithms developed to predict the effect of missense changes on protein structure and function (SIFT, PolyPhen-2, Align-GVGD) all suggest that this variant is likely to be disruptive, but these predictions have not been confirmed by published functional studies and their clinical significance is uncertain. In summary, the available evidence is currently insufficient to determine the role of this variant in disease. Therefore, it has been classified as a Variant of Uncertain Significance.

NM_006343.3(MERTK):c.2248A>G (p.Ser750Gly)

Gene: MERTK (MER proto-oncogene, tyrosine kinase; plus strand). Cytogenetic location: 2q13.
Variant type: single nucleotide variant.
Coding change: c.2248A>G on transcript NM_006343.3 (MANE Select); coding-DNA position 2248, A replaced by G.
Protein change: p.Ser750Gly; replaces serine 750 with glycine.
Molecular consequence: missense variant.
Genome position (GRCh38, 1-based): chr2:112,021,480, A>G. VCF-style: chr2-112021480-A-G. GRCh37 (hg19) VCF-style: chr2-112779057-A-G.
Other names: short protein forms S750G.
Identifiers: ClinVar variation 1044902 (VCV001044902.8), dbSNP rs776641757, ClinGen allele CA1831780.
Genomic context (GRCh38, chr2:112,021,480, plus strand): 5'-AGGTTGCGAGATGACATGACTGTCTGTGTTGCGGACTTCGGCCTCTCTAAGAAGATTTAC[A>G]GTGGCGATTATTACCGCCAAGGCCGCATTGCTAAGATGCCTGTTAAATGGATCGCCATAG-3'
Protein context (NP_006334.2, residues 740-760): ADFGLSKKIY[Ser750Gly]GDYYRQGRIA